The following is an entry in ClinVar:

ClinVar aggregate classification (germline): Benign/Likely benign. Review status: criteria provided, multiple submitters, no conflicts (2 of 4 stars). 4 submissions from 4 submitters: Benign (1); Likely benign (3). Last evaluated 2025-03-04.

Conditions:
BAP1-related tumor predisposition syndrome (TPDS1). Also called: COMMON Syndrome; TUMOR PREDISPOSITION SYNDROME 1; BAP1 tumor predisposition syndrome; Tumor susceptibility linked to germline BAP1 mutations. Identifiers: Orphanet 289539, MedGen C3280492, MONDO:0013692, OMIM 614327.

Allele frequency attached by ClinVar (database versions not stated): ESP Exome Variant Server 0.00008; gnomAD 0.00147; ExAC 0.00230; TOPMed 0.00237; 1000 Genomes Project 30x 0.00515; 1000 Genomes Project 0.00539.
gnomAD v4.1: 1,226 of 1,594,146 alleles (0.077%); highest among the groups gnomAD compares: East Asian, 1.7%; 14 homozygotes.

Submissions (4):

Center for Genomic Medicine, Rigshospitalet, Copenhagen University Hospital
Classification: Likely benign. Last evaluated: 2025-03-04. Review status: criteria provided, single submitter. Criteria: ACMG Guidelines, 2015. Collection method: clinical testing. Allele origin: germline.

GeneDx
Classification: Likely benign. Last evaluated: 2018-06-18. Review status: criteria provided, single submitter. Criteria: GeneDx Variant Classification Process June 2021. Collection method: clinical testing. Allele origin: germline. Affected: yes.

Illumina Laboratory Services, Illumina
Classification: Benign for BAP1-related tumor predisposition syndrome. Last evaluated: 2018-01-13. Review status: criteria provided, single submitter. Criteria: ICSL Variant Classification Criteria 13 December 2019. Collection method: clinical testing. Allele origin: germline.
Comment: This variant was observed in the ICSL laboratory as part of a predisposition screen in an ostensibly healthy population. It had not been previously curated by ICSL or reported in the Human Gene Mutation Database (HGMD: prior to June 1st, 2018), and was therefore a candidate for classification through an automated scoring system. Utilizing variant allele frequency, disease prevalence and penetrance estimates, and inheritance mode, an automated score was calculated to assess if this variant is too frequent to cause the disease. Based on the score and internal cut-off values, a variant classified as benign is not then subjected to further curation. The score for this variant resulted in a classification of benign for this disease.

Breakthrough Genomics
Classification: Likely benign. Review status: criteria provided, single submitter. Criteria: ACMG Guidelines, 2015. Collection method: not provided. Allele origin: germline. Inheritance: Autosomal dominant inheritance. Affected: yes.

NM_004656.4(BAP1):c.*37G>A

Gene: BAP1 (BRCA1 associated deubiquitinase 1; minus strand). Cytogenetic location: 3p21.1.
Variant type: single nucleotide variant.
Coding change: c.*37G>A on transcript NM_004656.4 (MANE Select); 37 bases downstream of the stop codon, G replaced by A.
Molecular consequence: 3 prime UTR variant.
Genome position (GRCh38, 1-based): chr3:52,402,251, C>T on the plus strand (G>A on the coding strand, the complement: BAP1 is on the minus strand). VCF-style: chr3-52402251-C-T. GRCh37 (hg19) VCF-style: chr3-52436267-C-T.
Identifiers: ClinVar variation 346115 (VCV000346115.16), dbSNP rs139307137, ClinGen allele CA2436572.